The following is an entry in ClinVar:

NM_016156.6(MTMR2):c.1511T>C (p.Phe504Ser)

Gene: MTMR2 (myotubularin related protein 2; minus strand). Cytogenetic location: 11q21.
Variant type: single nucleotide variant.
Coding change: c.1511T>C on transcript NM_016156.6 (MANE Select); coding-DNA position 1511, T replaced by C.
Protein change: p.Phe504Ser; replaces phenylalanine 504 with serine.
Molecular consequence: missense variant.
Genome position (GRCh38, 1-based): chr11:95,838,176, A>G on the plus strand (T>C on the coding strand, the complement: MTMR2 is on the minus strand). VCF-style: chr11-95838176-A-G. GRCh37 (hg19) VCF-style: chr11-95571340-A-G.
Other names: c.1295T>C, p.Phe432Ser (NM_001243571.2, NM_201278.3, NM_201281.3); short protein forms F504S, F432S.
Identifiers: ClinVar variation 569487 (VCV000569487.10), dbSNP rs1221811087, ClinGen allele CA382416922.

ClinVar aggregate classification (germline): Uncertain significance. Review status: criteria provided, multiple submitters, no conflicts (2 of 4 stars). 2 submissions from 2 submitters: Uncertain significance (2). Last evaluated 2022-01-14.

Conditions:
Charcot-Marie-Tooth disease type 4. Also called: Charcot-Marie-Tooth, Type 4; Charcot-Marie-Tooth disease, type IV. Identifiers: Orphanet 64749, MedGen C4082197, MONDO:0018995.
Inborn genetic diseases. Identifiers: MedGen C0950123, MeSH D030342.

Allele frequency attached by ClinVar (database versions not stated): TOPMed below 0.00001; gnomAD 0.00001; gnomAD exomes 0.00001.
gnomAD v4.1: 6 of 1,609,002 alleles (0.00037%); highest among the groups gnomAD compares: Non-Finnish European, 0.00051%; no homozygotes.

Submissions (2):

Labcorp Genetics (formerly Invitae), Labcorp
Classification: Uncertain significance for Charcot-Marie-Tooth disease type 4. Last evaluated: 2022-01-14. Review status: criteria provided, single submitter. Criteria: Invitae Variant Classification Sherloc (09022015). Collection method: clinical testing. Allele origin: germline.
Comment: In summary, the available evidence is currently insufficient to determine the role of this variant in disease. Therefore, it has been classified as a Variant of Uncertain Significance. Advanced modeling of protein sequence and biophysical properties (such as structural, functional, and spatial information, amino acid conservation, physicochemical variation, residue mobility, and thermodynamic stability) performed at Invitae indicates that this missense variant is expected to disrupt MTMR2 protein function. ClinVar contains an entry for this variant (Variation ID: 569487). This variant has not been reported in the literature in individuals affected with MTMR2-related conditions. This variant is not present in population databases (gnomAD no frequency). This sequence change replaces phenylalanine, which is neutral and non-polar, with serine, which is neutral and polar, at codon 504 of the MTMR2 protein (p.Phe504Ser).

Ambry Genetics
Classification: Uncertain significance for Inborn genetic diseases. Last evaluated: 2020-10-19. Review status: criteria provided, single submitter. Criteria: Ambry Variant Classification Scheme 2023. Collection method: clinical testing. Allele origin: germline.
Comment: The p.F504S variant (also known as c.1511T>C), located in coding exon 13 of the MTMR2 gene, results from a T to C substitution at nucleotide position 1511. The phenylalanine at codon 504 is replaced by serine, an amino acid with highly dissimilar properties. This amino acid position is highly conserved in available vertebrate species. In addition, this alteration is predicted to be deleterious by in silico analysis. Since supporting evidence is limited at this time, the clinical significance of this alteration remains unclear.